The following is an entry in ClinVar:

NM_001242957.3(MAK):c.437T>C (p.Leu146Pro)

Gene: MAK (male germ cell associated kinase; minus strand). Cytogenetic location: 6p24.2.
Variant type: single nucleotide variant.
Coding change: c.437T>C on transcript NM_001242957.3 (MANE Select); coding-DNA position 437, T replaced by C.
Protein change: p.Leu146Pro; replaces leucine 146 with proline.
Molecular consequence: missense variant. On other transcripts: non-coding transcript variant (2).
Genome position (GRCh38, 1-based): chr6:10,808,864, A>G on the plus strand (T>C on the coding strand, the complement: MAK is on the minus strand). VCF-style: chr6-10808864-A-G. GRCh37 (hg19) VCF-style: chr6-10809097-A-G.
Other names: c.437T>C, p.Leu146Pro (NM_001242385.2, NM_005906.6); c.335T>C, p.Leu112Pro (NM_001377262.1); short protein forms L112P, L146P.
Identifiers: ClinVar variation 1430275 (VCV001430275.5), dbSNP rs765454168, ClinGen allele CA134123894.

ClinVar aggregate classification (germline): Uncertain significance. Review status: criteria provided, multiple submitters, no conflicts (2 of 4 stars). 2 submissions from 2 submitters: Uncertain significance (2). Last evaluated 2024-12-18.

Allele frequency attached by ClinVar (database versions not stated): gnomAD exomes below 0.00001; TOPMed below 0.00001.
gnomAD v4.1: 1 of 1,613,972 alleles (0.000062%); highest among the groups gnomAD compares: Non-Finnish European, 0.000085%; no homozygotes.

Submissions (2):

Women's Health and Genetics/Laboratory Corporation of America, LabCorp
Classification: Uncertain significance. Last evaluated: 2024-12-18. Review status: criteria provided, single submitter. Criteria: LabCorp Variant Classification Summary - May 2015. Collection method: clinical testing. Allele origin: germline.
Comment: Variant summary: MAK c.437T>C (p.Leu146Pro) results in a non-conservative amino acid change located in the Protein kinase domain (IPR000719) of the encoded protein sequence. Five of five in-silico tools predict a damaging effect of the variant on protein function. The variant allele was found at a frequency of 4e-06 in 251394 control chromosomes. The available data on variant occurrences in the general population are insufficient to allow any conclusion about variant significance. c.437T>C has been reported in the literature in at least one compound heterozygous individual affected with Retinitis Pigmentosa (Martin-Merida_2019). These report(s) do not provide unequivocal conclusions about association of the variant with Retinitis Pigmentosa. To our knowledge, no experimental evidence demonstrating an impact on protein function has been reported. The following publication has been ascertained in the context of this evaluation (PMID: 30902645). ClinVar contains an entry for this variant (Variation ID: 1430275). Based on the evidence outlined above, the variant was classified as uncertain significance.

Labcorp Genetics (formerly Invitae), Labcorp
Classification: Uncertain significance. Last evaluated: 2021-03-03. Review status: criteria provided, single submitter. Criteria: Invitae Variant Classification Sherloc (09022015). Collection method: clinical testing. Allele origin: germline.
Comment: In summary, the available evidence is currently insufficient to determine the role of this variant in disease. Therefore, it has been classified as a Variant of Uncertain Significance. Experimental studies and prediction algorithms are not available or were not evaluated, and the functional significance of this variant is currently unknown. This variant has been observed in individual(s) with autosomal recessive retinitis pigmentosa (PMID: 30902645). This variant is not present in population databases (ExAC no frequency). This sequence change replaces leucine with proline at codon 146 of the MAK protein (p.Leu146Pro). The leucine residue is highly conserved and there is a modedrate physicochemical difference between leucine and proline.

Literature cited by the submitters: PubMed 30902645 (cited by Women's Health and Genetics/Laboratory Corporation of America, LabCorp and Labcorp Genetics (formerly Invitae), Labcorp).